The following is an entry in ClinVar:

ClinVar aggregate classification (germline): Likely benign (0 of 4 stars; one submission).

Conditions:
AFF4-related disorder. Also called: AFF4-related condition.

Allele frequency attached by ClinVar (database versions not stated): ExAC 0.00001; gnomAD 0.00001.
gnomAD v4.1: 12 of 1,613,058 alleles (0.00074%); highest among the groups gnomAD compares: East Asian, 0.0045%; no homozygotes.

Submission:

PreventionGenetics, part of Exact Sciences
Classification: Likely benign for AFF4-related condition. Last evaluated: 2023-04-03. Review status: no assertion criteria provided. Collection method: clinical testing. Allele origin: germline.
Comment: This variant is classified as likely benign based on ACMG/AMP sequence variant interpretation guidelines (Richards et al. 2015 PMID: 25741868, with internal and published modifications).

NM_014423.4(AFF4):c.2919G>A (p.Thr973=)

Gene: AFF4 (ALF transcription elongation factor 4; minus strand). Cytogenetic location: 5q31.1.
Variant type: single nucleotide variant.
Coding change: c.2919G>A on transcript NM_014423.4 (MANE Select); coding-DNA position 2919, G replaced by A.
Protein change: p.Thr973=; no amino-acid change (threonine 973 retained).
Molecular consequence: synonymous variant.
Genome position (GRCh38, 1-based): chr5:132,887,860, C>T on the plus strand (G>A on the coding strand, the complement: AFF4 is on the minus strand). VCF-style: chr5-132887860-C-T. GRCh37 (hg19) VCF-style: chr5-132223552-C-T.
Identifiers: ClinVar variation 3055124 (VCV003055124.2), dbSNP rs759710714, ClinGen allele CA3408794.